The following is an entry in ClinVar:

NM_138348.6(OTULIN):c.809G>A (p.Gly270Glu)

Gene: OTULIN (OTU deubiquitinase with linear linkage specificity; plus strand). Cytogenetic location: 5p15.2.
Variant type: single nucleotide variant.
Coding change: c.809G>A on transcript NM_138348.6 (MANE Select); coding-DNA position 809, G replaced by A.
Protein change: p.Gly270Glu; replaces glycine 270 with glutamic acid.
Molecular consequence: missense variant.
Genome position (GRCh38, 1-based): chr5:14,690,253, G>A. VCF-style: chr5-14690253-G-A. GRCh37 (hg19) VCF-style: chr5-14690362-G-A.
Other names: short protein forms G270E.
Identifiers: ClinVar variation 1513937 (VCV001513937.8), dbSNP rs1736491215, ClinGen allele CA359243914.
Genomic context (GRCh38, chr5:14,690,253, plus strand): 5'-GAAAGGAAGTACCATTTTTCTCTGTGCTTCTGTTTGCTCGGGACACATCAAATGACCCAG[G>A]ACAGCTTCTGAGGAACCACCTCAACCAGGTGGGACACACTGGTGGTCTTGAACAGGTAAG-3'
Protein context (NP_612357.4, residues 260-280): LFARDTSNDP[Gly270Glu]QLLRNHLNQV

ClinVar aggregate classification (germline): Uncertain significance (1 of 4 stars; one submission).

Allele frequency attached by ClinVar (database versions not stated): gnomAD 0.00001; TOPMed 0.00003.
gnomAD v4.1: 3 of 1,614,050 alleles (0.00019%); highest among the groups gnomAD compares: Admixed American, 0.0017%; no homozygotes.

Submission:

Labcorp Genetics (formerly Invitae), Labcorp
Classification: Uncertain significance. Last evaluated: 2022-07-12. Review status: criteria provided, single submitter. Criteria: Invitae Variant Classification Sherloc (09022015). Collection method: clinical testing. Allele origin: germline.
Comment: In summary, the available evidence is currently insufficient to determine the role of this variant in disease. Therefore, it has been classified as a Variant of Uncertain Significance. Algorithms developed to predict the effect of missense changes on protein structure and function output the following: SIFT: "Tolerated"; PolyPhen-2: "Benign"; Align-GVGD: "Class C0". The glutamic acid amino acid residue is found in multiple mammalian species, which suggests that this missense change does not adversely affect protein function. ClinVar contains an entry for this variant (Variation ID: 1513937). This variant has not been reported in the literature in individuals affected with OTULIN-related conditions. This variant is not present in population databases (gnomAD no frequency). This sequence change replaces glycine, which is neutral and non-polar, with glutamic acid, which is acidic and polar, at codon 270 of the OTULIN protein (p.Gly270Glu).